The following is an entry in ClinVar:

NM_020458.4(TTC7A):c.533G>A (p.Arg178His)

Genes: TTC7A (tetratricopeptide repeat domain 7A; plus strand), LOC126806211 (CDK7 strongly-dependent group 2 enhancer GRCh37_chr2:47201305-47202504; plus strand). Cytogenetic location: 2p21.
Variant type: single nucleotide variant.
Coding change: c.533G>A on transcript NM_020458.4 (MANE Select); coding-DNA position 533, G replaced by A.
Protein change: p.Arg178His; replaces arginine 178 with histidine.
Molecular consequence: missense variant. On other transcripts: 5 prime UTR variant (1).
Genome position (GRCh38, 1-based): chr2:46,974,988, G>A. VCF-style: chr2-46974988-G-A. GRCh37 (hg19) VCF-style: chr2-47202127-G-A.
Other names: c.533G>A, p.Arg178His (NM_001288951.2); c.431G>A, p.Arg144His (NM_001288953.2); c.-372G>A (NM_001288955.2); short protein forms R178H, R144H.
Identifiers: ClinVar variation 4776295 (VCV004776295.1).

ClinVar aggregate classification (germline): Uncertain significance (1 of 4 stars; one submission).

Conditions:
Multiple gastrointestinal atresias. Also called: FAMILIAL INTESTINAL POLYATRESIA SYNDROME; Multiple intestinal atresia. Identifiers: Orphanet 2300, MedGen C0220744, MONDO:0009465.

gnomAD v4.1: 21 of 1,613,704 alleles (0.0013%); highest among the groups gnomAD compares: Non-Finnish European, 0.0017%; no homozygotes.

Submission:

Labcorp Genetics (formerly Invitae), Labcorp
Classification: Uncertain significance for Multiple gastrointestinal atresias. Last evaluated: 2025-07-14. Review status: criteria provided, single submitter. Criteria: Invitae Variant Classification Sherloc (09022015). Collection method: clinical testing. Allele origin: germline.
Comment: This sequence change replaces arginine, which is basic and polar, with histidine, which is basic and polar, at codon 178 of the TTC7A protein (p.Arg178His). This variant is present in population databases (rs757371551, gnomAD 0.003%). This variant has not been reported in the literature in individuals affected with TTC7A-related conditions. Invitae Evidence Modeling of protein sequence and biophysical properties (such as structural, functional, and spatial information, amino acid conservation, physicochemical variation, residue mobility, and thermodynamic stability) indicates that this missense variant is not expected to disrupt TTC7A protein function with a negative predictive value of 80%. In summary, the available evidence is currently insufficient to determine the role of this variant in disease. Therefore, it has been classified as a Variant of Uncertain Significance.